The following is an entry in ClinVar:

ClinVar aggregate classification (germline): Uncertain significance. Review status: criteria provided, multiple submitters, no conflicts (2 of 4 stars). 2 submissions from 2 submitters: Uncertain significance (2). Last evaluated 2021-12-13.

Conditions:
LAMA2-related muscular dystrophy (LAMA2-RD). Also called: Laminin alpha 2-related dystrophy. Identifiers: MedGen C5679788, MONDO:0100228.

Allele frequency attached by ClinVar (database versions not stated): ExAC 0.00001; gnomAD 0.00001; gnomAD exomes 0.00002; TOPMed 0.00002.
gnomAD v4.1: 13 of 1,613,778 alleles (0.00081%); highest among the groups gnomAD compares: African/African-American, 0.0013%; no homozygotes.

Submissions (2):

Labcorp Genetics (formerly Invitae), Labcorp
Classification: Uncertain significance for LAMA2-related muscular dystrophy. Last evaluated: 2021-12-13. Review status: criteria provided, single submitter. Criteria: Invitae Variant Classification Sherloc (09022015). Collection method: clinical testing. Allele origin: germline.
Comment: This sequence change replaces arginine, which is basic and polar, with serine, which is neutral and polar, at codon 1670 of the LAMA2 protein (p.Arg1670Ser). This variant is present in population databases (rs776231775, gnomAD 0.002%). This variant has not been reported in the literature in individuals affected with LAMA2-related conditions. Advanced modeling of protein sequence and biophysical properties (such as structural, functional, and spatial information, amino acid conservation, physicochemical variation, residue mobility, and thermodynamic stability) performed at Invitae indicates that this missense variant is not expected to disrupt LAMA2 protein function. In summary, the available evidence is currently insufficient to determine the role of this variant in disease. Therefore, it has been classified as a Variant of Uncertain Significance.

Breakthrough Genomics
Classification: Uncertain significance. Review status: criteria provided, single submitter. Criteria: ACMG Guidelines, 2015. Collection method: not provided. Allele origin: germline. Inheritance: Autosomal recessive inheritance. Affected: yes.

NM_000426.4(LAMA2):c.5010G>C (p.Arg1670Ser)

Gene: LAMA2 (laminin subunit alpha 2; plus strand). Cytogenetic location: 6q22.33.
Variant type: single nucleotide variant.
Coding change: c.5010G>C on transcript NM_000426.4 (MANE Select); coding-DNA position 5010, G replaced by C.
Protein change: p.Arg1670Ser; replaces arginine 1670 with serine.
Molecular consequence: missense variant.
Genome position (GRCh38, 1-based): chr6:129,383,172, G>C. VCF-style: chr6-129383172-G-C. GRCh37 (hg19) VCF-style: chr6-129704317-G-C.
Other names: c.5010G>C, p.Arg1670Ser (NM_001079823.2); short protein forms R1670S.
Identifiers: ClinVar variation 1431738 (VCV001431738.4), dbSNP rs776231775, ClinGen allele CA3993752.